The following is an entry in ClinVar:

ClinVar aggregate classification (germline): Uncertain significance. Review status: criteria provided, multiple submitters, no conflicts (2 of 4 stars). 3 submissions from 3 submitters: Uncertain significance (3). Last evaluated 2025-03-07.

Conditions:
Retinitis pigmentosa (RP). Identifiers: Orphanet 791, MedGen C0035334, MeSH D012174, MONDO:0019200, OMIM 268000. Inheritance: Autosomal dominant, autosomal recessive and X linked inheritance.

Allele frequency attached by ClinVar (database versions not stated): gnomAD 0.00001; TOPMed 0.00001; ExAC 0.00006; ESP Exome Variant Server 0.00015.
gnomAD v4.1: 30 of 1,613,250 alleles (0.0019%); highest among the groups gnomAD compares: Non-Finnish European, 0.0025%; no homozygotes.

Submissions (3):

Labcorp Genetics (formerly Invitae), Labcorp
Classification: Uncertain significance. Last evaluated: 2025-03-07. Review status: criteria provided, single submitter. Criteria: Invitae Variant Classification Sherloc (09022015). Collection method: clinical testing. Allele origin: germline.
Comment: This sequence change replaces isoleucine, which is neutral and non-polar, with threonine, which is neutral and polar, at codon 930 of the RBP3 protein (p.Ile930Thr). This variant is present in population databases (rs370922435, gnomAD 0.01%). This variant has not been reported in the literature in individuals affected with RBP3-related conditions. ClinVar contains an entry for this variant (Variation ID: 931420). Invitae Evidence Modeling of protein sequence and biophysical properties (such as structural, functional, and spatial information, amino acid conservation, physicochemical variation, residue mobility, and thermodynamic stability) indicates that this missense variant is not expected to disrupt RBP3 protein function with a negative predictive value of 80%. In summary, the available evidence is currently insufficient to determine the role of this variant in disease. Therefore, it has been classified as a Variant of Uncertain Significance.

Blueprint Genetics
Classification: Uncertain significance. Last evaluated: 2024-03-18. Review status: criteria provided, single submitter. Criteria: ACMG Guidelines, 2015. Collection method: clinical testing. Allele origin: germline.

Centre for Mendelian Genomics, University Medical Centre Ljubljana
Classification: Uncertain significance for Retinitis pigmentosa. Last evaluated: 2018-12-20. Review status: criteria provided, single submitter. Criteria: ACMG Guidelines, 2015. Collection method: clinical testing. Allele origin: unknown. Affected: yes.
Comment: This variant was classified as: Uncertain significance. The following ACMG criteria were applied in classifying this variant: PM2,PP3.

NM_002900.3(RBP3):c.2789T>C (p.Ile930Thr)

Gene: RBP3 (retinol binding protein 3; plus strand). Cytogenetic location: 10q11.22.
Variant type: single nucleotide variant.
Coding change: c.2789T>C on transcript NM_002900.3 (MANE Select); coding-DNA position 2789, T replaced by C.
Protein change: p.Ile930Thr; replaces isoleucine 930 with threonine.
Molecular consequence: missense variant.
Genome position (GRCh38, 1-based): chr10:47,351,273, T>C. VCF-style: chr10-47351273-T-C. GRCh37 (hg19) VCF-style: chr10-48388089-A-G.
Other names: short protein forms I930T.
Identifiers: ClinVar variation 931420 (VCV000931420.6), dbSNP rs370922435, ClinGen allele CA5487203.